The following is an entry in ClinVar:

ClinVar aggregate classification (germline): Likely pathogenic (1 of 4 stars; one submission).

Conditions:
Hereditary spastic paraplegia 7 (SPG7). Also called: Spastic paraplegia 7; SPASTIC PARAPLEGIA 7, AUTOSOMAL RECESSIVE, WITH OR WITHOUT CEREBELLAR ATAXIA; SPG7-related neurologic disorder; Hereditary spastic paraplegia Paraplegin type; Autosomal recessive spastic paraplegia type 7. Identifiers: Orphanet 99013, MedGen C1846564, MONDO:0011803, OMIM 607259.

Submission:

MGZ Medical Genetics Center
Classification: Likely pathogenic for Hereditary spastic paraplegia 7. Last evaluated: 2022-07-26. Review status: criteria provided, single submitter. Criteria: ACMG Guidelines, 2015. Collection method: clinical testing. Allele origin: germline. Affected: yes. Observed: 1 variant allele.
Comment: ACMG criteria applied: PVS1, PM2_SUP

NM_003119.4(SPG7):c.412_443del (p.Tyr138fs)

Gene: SPG7 (SPG7 matrix AAA peptidase subunit, paraplegin; plus strand). Cytogenetic location: 16q24.3.
Variant type: Deletion.
Coding change: c.412_443del on transcript NM_003119.4 (MANE Select); coding-DNA positions 412 to 443, 32 bases deleted.
Protein change: p.Tyr138fs; shifts the reading frame from tyrosine 138.
Molecular consequence: frameshift variant.
Genome position (GRCh38, 1-based): chr16:89,524,041-89,524,072, 32 bases deleted. GRCh37 (hg19): chr16:89,590,449-89,590,480.
Other names: c.412_443del, p.Tyr138fs (NM_001363850.1, NM_199367.3); short protein forms Y138fs.
Identifiers: ClinVar variation 1709366 (VCV001709366.2), dbSNP rs2543723430, ClinGen allele CA2580092291.